The following is an entry in ClinVar:

NM_002473.6(MYH9):c.1849C>T (p.Arg617Cys)

Gene: MYH9 (myosin heavy chain 9; minus strand). Cytogenetic location: 22q12.3.
Variant type: single nucleotide variant.
Coding change: c.1849C>T on transcript NM_002473.6 (MANE Select); coding-DNA position 1849, C replaced by T.
Protein change: p.Arg617Cys; replaces arginine 617 with cysteine.
Molecular consequence: missense variant.
Genome position (GRCh38, 1-based): chr22:36,306,602, G>A on the plus strand (C>T on the coding strand, the complement: MYH9 is on the minus strand). VCF-style: chr22-36306602-G-A. GRCh37 (hg19) VCF-style: chr22-36702648-G-A.
Other names: short protein forms R617C.
Identifiers: ClinVar variation 1311517 (VCV001311517.3), dbSNP rs747144646, ClinGen allele CA10210165.

ClinVar aggregate classification (germline): Uncertain significance. Review status: criteria provided, multiple submitters, no conflicts (2 of 4 stars). 2 submissions from 2 submitters: Uncertain significance (2). Last evaluated 2024-03-26.

Conditions:
Macrothrombocytopenia and granulocyte inclusions with or without nephritis or sensorineural hearing loss (MATINS). Also called: BLEEDING DISORDER, PLATELET-TYPE, 6; DOHLE LEUKOCYTE INCLUSIONS WITH GIANT PLATELETS; MAY-HEGGLIN ANOMALY; SEBASTIAN PLATELET SYNDROME; MACROTHROMBOCYTOPENIA WITH DISPERSED LEUKOCYTIC INCLUSIONS; MACROTHROMBOCYTOPENIA, NEPHRITIS, AND DEAFNESS. Identifiers: Orphanet 182050, MedGen C5200934, MONDO:0015912, OMIM 155100.
Autosomal dominant nonsyndromic hearing loss 17. Also called: Deafness, autosomal dominant 17; Autosomal dominant nonsyndromic deafness 17. Identifiers: Orphanet 90635, MedGen C1863659, MONDO:0011350, OMIM 603622.

Allele frequency attached by ClinVar (database versions not stated): gnomAD exomes 0.00001 and 0.00002; ExAC 0.00003.
gnomAD v4.1: 19 of 1,612,318 alleles (0.0012%); highest among the groups gnomAD compares: South Asian, 0.016%; no homozygotes.

Submissions (2):

Fulgent Genetics
Classification: Uncertain significance for Macrothrombocytopenia and granulocyte inclusions with or without nephritis or sensorineural hearing loss; Autosomal dominant nonsyndromic hearing loss 17. Last evaluated: 2024-03-26. Review status: criteria provided, single submitter. Criteria: ACMG Guidelines, 2015. Collection method: clinical testing. Allele origin: germline.

GeneDx
Classification: Uncertain significance. Last evaluated: 2020-01-03. Review status: criteria provided, single submitter. Criteria: GeneDx Variant Classification Process June 2021. Collection method: clinical testing. Allele origin: germline. Affected: yes.
Comment: In silico analysis, which includes protein predictors and evolutionary conservation, supports a deleterious effect; Has not been previously published as pathogenic or benign to our knowledge